The following is an entry in ClinVar:

NM_201631.4(TGM5):c.1020T>A (p.Asn340Lys)

Gene: TGM5 (transglutaminase 5; minus strand). Cytogenetic location: 15q15.2.
Variant type: single nucleotide variant.
Coding change: c.1020T>A on transcript NM_201631.4 (MANE Select); coding-DNA position 1020, T replaced by A.
Protein change: p.Asn340Lys; replaces asparagine 340 with lysine.
Molecular consequence: missense variant.
Genome position (GRCh38, 1-based): chr15:43,239,248, A>T on the plus strand (T>A on the coding strand, the complement: TGM5 is on the minus strand). VCF-style: chr15-43239248-A-T. GRCh37 (hg19) VCF-style: chr15-43531446-A-T.
Other names: c.774T>A, p.Asn258Lys (NM_004245.4); short protein forms N258K, N340K.
Identifiers: ClinVar variation 3255011 (VCV003255011.1), dbSNP rs2542603101.

ClinVar aggregate classification (germline): Uncertain significance (1 of 4 stars; one submission).

Conditions:
Acral peeling skin syndrome. Also called: Peeling skin syndrome 2. Identifiers: Orphanet 263534, MedGen C1853354, MONDO:0012345, OMIM 609796.

Submission:

Victorian Clinical Genetics Services, Murdoch Childrens Research Institute
Classification: Uncertain significance for Acral peeling skin syndrome. Last evaluated: 2023-07-17. Review status: criteria provided, single submitter. Criteria: ACMG Guidelines, 2015. Collection method: clinical testing. Allele origin: germline. Inheritance: Autosomal recessive inheritance. Affected: yes.
Comment: Based on the classification scheme VCGS_Germline_v1.3.4, this variant is classified as VUS-3B. Following criteria are met: 0102 - Loss-of-function is a known mechanism of disease for this gene and is associated with peeling skin syndrome 2 (MIM#609796). (I) 0106 - This gene is associated with autosomal recessive disease. (I) 0200 - Variant is predicted to result in a missense amino acid change from asparagine to lysine. (I) 0251 - This variant is heterozygous. (I) 0301 - Variant is absent from gnomAD (both v2 and v3). (SP) 0309 - An alternative amino acid change at the same position has been observed in gnomAD (v2) (2 heterozygotes, 0 homozygotes). (I) 0502 - Missense variant with conflicting in silico predictions and uninformative conservation. (I) 0600 - Variant is located in the annotated transglutaminase-like superfamily domain (DECIPHER). (I) 0705 - No comparable missense variants have previous evidence for pathogenicity. (I) 0807 - This variant has no previous evidence of pathogenicity. (I) 0905 - No published segregation evidence has been identified for this variant. (I) 1007 - No published functional evidence has been identified for this variant. (I) 1201 - Heterozygous variant detected in trans with a second pathogenic heterozygous variant (NM_201631.3(TGM5):c.337G>T; p.(Gly113Cys)) in a recessive disease. In addition, it was shown in cis with another VUS (NM_201631.3(TGM5):c.600G>C; p.(Lys200Asn)). (I) Legend: (SP) - Supporting pathogenic, (I) - Information, (SB) - Supporting benign